The following is an entry in ClinVar:

NM_001371986.1(UNC80):c.2537T>C (p.Met846Thr)

Gene: UNC80 (unc-80 subunit of NALCN channel complex; plus strand). Cytogenetic location: 2q34.
Variant type: single nucleotide variant.
Coding change: c.2537T>C on transcript NM_001371986.1 (MANE Select); coding-DNA position 2537, T replaced by C.
Protein change: p.Met846Thr; replaces methionine 846 with threonine.
Molecular consequence: missense variant.
Genome position (GRCh38, 1-based): chr2:209,829,290, T>C. VCF-style: chr2-209829290-T-C. GRCh37 (hg19) VCF-style: chr2-210694014-T-C.
Other names: c.2537T>C, p.Met846Thr (NM_032504.2); c.2522T>C, p.Met841Thr (NM_182587.4); c.2537T>C (NM_032504.1); short protein forms M841T, M846T.
Identifiers: ClinVar variation 2006153 (VCV002006153.5), dbSNP rs2470983040, ClinGen allele CA350137631.

ClinVar aggregate classification (germline): Uncertain significance. Review status: criteria provided, multiple submitters, no conflicts (2 of 4 stars). 2 submissions from 2 submitters: Uncertain significance (2). Last evaluated 2024-01-29.

Conditions:
Inborn genetic diseases. Identifiers: MedGen C0950123, MeSH D030342.

gnomAD v4.1: 2 of 1,551,456 alleles (0.00013%); highest among the groups gnomAD compares: Non-Finnish European, 0.00017%; no homozygotes.

Submissions (2):

Ambry Genetics
Classification: Uncertain significance for Inborn genetic diseases. Last evaluated: 2024-01-29. Review status: criteria provided, single submitter. Criteria: Ambry Variant Classification Scheme 2023. Collection method: clinical testing. Allele origin: germline.

Labcorp Genetics (formerly Invitae), Labcorp
Classification: Uncertain significance. Last evaluated: 2022-08-21. Review status: criteria provided, single submitter. Criteria: Invitae Variant Classification Sherloc (09022015). Collection method: clinical testing. Allele origin: germline.
Comment: This variant is not present in population databases (gnomAD no frequency). This sequence change replaces methionine, which is neutral and non-polar, with threonine, which is neutral and polar, at codon 846 of the UNC80 protein (p.Met846Thr). This variant has not been reported in the literature in individuals affected with UNC80-related conditions. Algorithms developed to predict the effect of missense changes on protein structure and function are either unavailable or do not agree on the potential impact of this missense change (SIFT: "Not Available"; PolyPhen-2: "Benign"; Align-GVGD: "Not Available"). In summary, the available evidence is currently insufficient to determine the role of this variant in disease. Therefore, it has been classified as a Variant of Uncertain Significance.